The following is an entry in ClinVar:

ClinVar aggregate classification (germline): Uncertain significance (1 of 4 stars; one submission).

Conditions:
Syndromic multisystem autoimmune disease due to ITCH deficiency. Also called: AUTOIMMUNE DISEASE, MULTISYSTEM, WITH FACIAL DYSMORPHISM. Identifiers: Orphanet 228426, MedGen C3150649, MONDO:0013245, OMIM 613385.

Allele frequency attached by ClinVar (database versions not stated): TOPMed below 0.00001; ExAC 0.00001; gnomAD exomes 0.00001.

Submission:

Labcorp Genetics (formerly Invitae), Labcorp
Classification: Uncertain significance for Syndromic multisystem autoimmune disease due to ITCH deficiency. Last evaluated: 2019-12-27. Review status: criteria provided, single submitter. Criteria: Invitae Variant Classification Sherloc (09022015). Collection method: clinical testing. Allele origin: germline.
Comment: This sequence change replaces arginine with histidine at codon 363 of the ITCH protein (p.Arg363His). The arginine residue is highly conserved and there is a small physicochemical difference between arginine and histidine. This variant has not been reported in the literature in individuals with ITCH-related conditions. This variant is present in population databases (rs764257608, ExAC 0.001%). In summary, the available evidence is currently insufficient to determine the role of this variant in disease. Therefore, it has been classified as a Variant of Uncertain Significance. Algorithms developed to predict the effect of missense changes on protein structure and function are either unavailable or do not agree on the potential impact of this missense change (SIFT: "Deletious"; PolyPhen-2: "Benign"; Align-GVGD: "Class CO").

NM_031483.7(ITCH):c.1088G>A (p.Arg363His)

Gene: ITCH (itchy E3 ubiquitin protein ligase; plus strand). Cytogenetic location: 20q11.22.
Variant type: single nucleotide variant.
Coding change: c.1088G>A on transcript NM_031483.7 (MANE Select); coding-DNA position 1088, G replaced by A.
Protein change: p.Arg363His; replaces arginine 363 with histidine.
Molecular consequence: missense variant.
Genome position (GRCh38, 1-based): chr20:34,445,409, G>A. VCF-style: chr20-34445409-G-A. GRCh37 (hg19) VCF-style: chr20-33033214-G-A.
Other names: c.1211G>A, p.Arg404His (NM_001257137.3, NM_001324197.2); c.758G>A, p.Arg253His (NM_001257138.3); c.1088G>A, p.Arg363His (NM_001324198.2); short protein forms R404H, R363H, R253H.
Identifiers: ClinVar variation 857690 (VCV000857690.8), dbSNP rs764257608, ClinGen allele CA9821560.